The following is an entry in ClinVar:

NM_001267550.2(TTN):c.35391C>A (p.Pro11797=)

Gene: TTN (titin; minus strand). Cytogenetic location: 2q31.2.
Variant type: single nucleotide variant.
Coding change: c.35391C>A on transcript NM_001267550.2 (MANE Select); coding-DNA position 35391, C replaced by A.
Protein change: p.Pro11797=; no amino-acid change (proline 11797 retained).
Molecular consequence: synonymous variant. On other transcripts: intron variant (5).
Genome position (GRCh38, 1-based): chr2:178,669,671, G>T on the plus strand (C>A on the coding strand, the complement: TTN is on the minus strand). VCF-style: chr2-178669671-G-T. GRCh37 (hg19) VCF-style: chr2-179534398-G-T.
Other names: c.13283-27354C>A (NM_003319.4); c.13859-27354C>A (NM_133437.4); c.13658-27354C>A (NM_133432.3); c.31483+547C>A (NM_133378.4); c.34264+547C>A (NM_001256850.1).
Identifiers: ClinVar variation 696541 (VCV000696541.12), dbSNP rs748919007, ClinGen allele CA60977963.
Genomic context (GRCh38, chr2:178,669,671, plus strand): 5'-AGGCTTTTTCAGAACAGCTTCACGAACTTTTTCTTCTGGGACAATTTTCTTGGGTACTTC[G>T]GGTGCTTTAAAGATATTTATTTATCTTATTTTTTCAGAACATTATAGTTGGGTGTAAACA-3'
Protein context (NP_001254479.2, residues 11787-11807): EEPRVPPTKA[Pro11797=]EVPKKIVPEE

ClinVar aggregate classification (germline): Conflicting classifications of pathogenicity. Review status: criteria provided, conflicting classifications (1 of 4 stars). 2 submissions from 2 submitters: Uncertain significance (1); Likely benign (1). Last evaluated 2025-11-21.

Conditions:
TTN-related disorder. Also called: TTN-related disorders; TTN-related condition; TTN-related disease.
Dilated cardiomyopathy 1G (CMD1G). Identifiers: Orphanet 154, MedGen C1858763, MONDO:0011400, OMIM 604145.
Autosomal recessive limb-girdle muscular dystrophy type 2J (LGMDR10). Also called: MUSCULAR DYSTROPHY, LIMB-GIRDLE, AUTOSOMAL RECESSIVE 10; Limb-girdle muscular dystrophy, type 2J. Identifiers: Orphanet 140922, MedGen C1837342, MONDO:0012127, OMIM 608807.

Allele frequency attached by ClinVar (database versions not stated): TOPMed 0.00002; gnomAD 0.00003.
gnomAD v4.1: 30 of 1,611,748 alleles (0.0019%); highest among the groups gnomAD compares: Non-Finnish European, 0.0022%; no homozygotes.

Submissions (2):

Labcorp Genetics (formerly Invitae), Labcorp
Classification: Likely benign for Dilated cardiomyopathy 1G; Autosomal recessive limb-girdle muscular dystrophy type 2J. Last evaluated: 2025-11-21. Review status: criteria provided, single submitter. Criteria: Invitae Variant Classification Sherloc (09022015). Collection method: clinical testing. Allele origin: germline.

PreventionGenetics, part of Exact Sciences
Classification: Uncertain significance for TTN-related condition. Last evaluated: 2025-10-15. Review status: criteria provided, single submitter. Criteria: ACMG Guidelines, 2015. Collection method: clinical testing. Allele origin: germline.
Comment: The TTN c.35391C>A variant is not predicted to result in an amino acid change (p.=). This variant is predicted to impact splicing based on splicing prediction programs (SpliceAI, Jaganathan K, et al. 2019. PubMed ID: 30661751). However, the use of computer prediction programs is not equivalent to functional evidence. To our knowledge, this variant has not been reported in the literature. This variant is reported in 0.0041% of alleles in individuals of European (Non-Finnish) descent in gnomAD. At this time, the clinical significance of this variant is uncertain due to the absence of conclusive functional and genetic evidence.